The following is an entry in ClinVar:

NC_000001.10:g.(?_1718770)_(1756892_?)dup

Gene: GNB1 (G protein subunit beta 1; minus strand). Cytogenetic location: 1p36.33.
Variant type: Duplication.
Identifiers: ClinVar variation 3247934 (VCV003247934.1).

ClinVar aggregate classification (germline): Uncertain significance (1 of 4 stars; one submission).

Submission:

Labcorp Genetics (formerly Invitae), Labcorp
Classification: Uncertain significance. Last evaluated: 2023-10-13. Review status: criteria provided, single submitter. Criteria: Invitae Variant Classification Sherloc (09022015). Collection method: clinical testing. Allele origin: unknown.
Comment: A copy number gain of the genomic region encompassing the full coding sequence of the GNB1 gene has been identified. The boundaries of this event are unknown as they extend beyond the assayed region for this gene and therefore may encompass additional genes. As the precise location of this event is unknown, it may be in tandem or it may be located elsewhere in the genome. This variant has not been reported in the literature in individuals affected with GNB1-related conditions. In summary, the available evidence is currently insufficient to determine the role of this variant in disease. Therefore, it has been classified as a Variant of Uncertain Significance.